The following is an entry in ClinVar:

ClinVar aggregate classification (germline): Pathogenic (1 of 4 stars; one submission).

Submission:

Labcorp Genetics (formerly Invitae), Labcorp
Classification: Pathogenic. Last evaluated: 2021-10-22. Review status: criteria provided, single submitter. Criteria: Invitae Variant Classification Sherloc (09022015). Collection method: clinical testing. Allele origin: germline.
Comment: For these reasons, this variant has been classified as Pathogenic. Isolated whole-gene deletions of SLC4A11 have not been reported in the literature. However, larger copy number events that include this gene have been reported (PMID: 25138764). A gross deletion of the genomic region encompassing the full coding sequence of the SLC4A11 gene has been identified. Loss-of-function variants in SLC4A11 are known to be pathogenic (PMID: 17220209, 17679935). The boundaries of this event are unknown as they extend beyond the assayed region for this gene and therefore may encompass additional genes.

Literature cited by the submitters: PubMed 25138764; PubMed 17220209; PubMed 17679935.

NC_000020.11:g.(?_3227407)_(3239200_?)del

Gene: SLC4A11 (solute carrier family 4 member 11; minus strand). Cytogenetic location: 20p13.
Variant type: Deletion.
Identifiers: ClinVar variation 831149 (VCV000831149.5).